The following is an entry in ClinVar:

NM_016604.4(KDM3B):c.4379G>A (p.Arg1460Gln)

Gene: KDM3B (lysine demethylase 3B; plus strand). Cytogenetic location: 5q31.2.
Variant type: single nucleotide variant.
Coding change: c.4379G>A on transcript NM_016604.4 (MANE Select); coding-DNA position 4379, G replaced by A.
Protein change: p.Arg1460Gln; replaces arginine 1460 with glutamine.
Molecular consequence: missense variant.
Genome position (GRCh38, 1-based): chr5:138,425,550, G>A. VCF-style: chr5-138425550-G-A. GRCh37 (hg19) VCF-style: chr5-137761239-G-A.
Other names: short protein forms R1460Q.
Identifiers: ClinVar variation 985972 (VCV000985972.5), dbSNP rs529065296, ClinGen allele CA3429436.

ClinVar aggregate classification (germline): Uncertain significance (1 of 4 stars; one submission).

Conditions:
Inborn genetic diseases. Identifiers: MedGen C0950123, MeSH D030342.

Allele frequency attached by ClinVar (database versions not stated): gnomAD exomes below 0.00001; gnomAD 0.00001; ExAC 0.00002; 1000 Genomes Project 30x 0.00016; 1000 Genomes Project 0.00020.
gnomAD v4.1: 6 of 1,614,004 alleles (0.00037%); highest among the groups gnomAD compares: South Asian, 0.0022%; no homozygotes.

Submission:

Ambry Genetics
Classification: Uncertain significance for Inborn genetic diseases. Last evaluated: 2024-01-30. Review status: criteria provided, single submitter. Criteria: Ambry Variant Classification Scheme 2023. Collection method: clinical testing. Allele origin: germline.
Comment: The c.4379G>A (p.R1460Q) alteration is located in coding exon 17 of the KDM3B gene. This alteration results from a G to A substitution at nucleotide position 4379, causing the arginine (R) at amino acid position 1460 to be replaced by a glutamine (Q). Based on data from gnomAD, the A allele has an overall frequency of <0.001% (1/251432) total alleles studied. The highest observed frequency was 0.003% (1/30614) of South Asian alleles. This amino acid position is highly conserved in available vertebrate species. This missense alteration is located in a region that has a low rate of benign missense variation (Lek, 2016; Firth, 2009). The in silico prediction for this alteration is inconclusive. Based on insufficient or conflicting evidence, the clinical significance of this alteration remains unclear.